The following is an entry in ClinVar:

ClinVar aggregate classification (germline): Benign. Review status: criteria provided, multiple submitters, no conflicts (2 of 4 stars). 6 submissions from 6 submitters: Benign (4). 2 of the submissions do not count toward it. Last evaluated 2026-02-03.

Allele frequency attached by ClinVar (database versions not stated): gnomAD exomes 0.00102 and 0.00243; ExAC 0.00291; 1000 Genomes Project 30x 0.00968; 1000 Genomes Project 0.00998; gnomAD 0.01052 and 0.01152; ESP Exome Variant Server 0.01102; TOPMed 0.01159.
gnomAD v4.1: 3,105 of 1,607,200 alleles (0.19%); highest among the groups gnomAD compares: African/African-American, 3.7%; 69 homozygotes.

Submissions (9):

Labcorp Genetics (formerly Invitae), Labcorp
Classification: Benign. Last evaluated: 2026-02-03. Review status: criteria provided, single submitter. Criteria: Invitae Variant Classification Sherloc (09022015). Collection method: clinical testing. Allele origin: germline.

Women's Health and Genetics/Laboratory Corporation of America, LabCorp
Classification: Benign. Last evaluated: 2019-08-12. Review status: criteria provided, single submitter. Criteria: LabCorp Variant Classification Summary - May 2015. Collection method: clinical testing. Allele origin: germline.
Comment: Variant summary: A2ML1 c.1686T>G (p.Val562Val) alters a non-conserved nucleotide located close to a canonical splice site and therefore could affect mRNA splicing, leading to a significantly altered protein sequence. 5/5 computational tools predict no significant impact on normal splicing. However, these predictions have yet to be confirmed by functional studies. The variant allele was found at a frequency of 0.0024 in 241896 control chromosomes, predominantly at a frequency of 0.034 within the African or African-American subpopulation in the gnomAD database, including 15 homozygotes. The observed variant frequency within African or African-American control individuals in the gnomAD database is approximately 8500-folds over the estimated maximal expected allele frequency for a pathogenic variant in A2ML1 causing Noonan Syndrome phenotype (4e-06), strongly suggesting that the variant is a benign polymorphism found primarily in populations of African or African-American origin. Two ClinVar submissions (evaluation after 2014) cite the variant as benign. Based on the evidence outlined above, the variant was classified as benign.

GeneDx
Classification: Benign. Last evaluated: 2017-04-04. Review status: criteria provided, single submitter. Criteria: GeneDx Variant Classification (06012015). Collection method: clinical testing. Allele origin: germline. Affected: yes.
Comment: This variant is considered likely benign or benign based on one or more of the following criteria: it is a conservative change, it occurs at a poorly conserved position in the protein, it is predicted to be benign by multiple in silico algorithms, and/or has population frequency not consistent with disease.

Breakthrough Genomics
Classification: Benign. Review status: criteria provided, single submitter. Criteria: ACMG Guidelines, 2015. Collection method: not provided. Allele origin: germline. Inheritance: Autosomal dominant inheritance. Affected: yes.

Clinical Genetics, Academic Medical Center
Classification: Benign. Review status: no assertion criteria provided. Collection method: clinical testing. Allele origin: germline. Affected: yes. Study: VKGL Data-share Consensus. Not counted in ClinVar's aggregate classification.

Dr. Peter K. Rogan Lab, Western University
No classification provided (evidence only). Condition: Uterine corpus endometrial carcinoma. Review status: no classification provided. Collection method: in vitro. Allele origin: not applicable. Functional consequence: retained intron. Not counted in ClinVar's aggregate classification.

Dr. Peter K. Rogan Lab, Western University
No classification provided (evidence only). Condition: Hepatocellular carcinoma. Review status: no classification provided. Collection method: in vitro. Allele origin: not applicable. Functional consequence: retained intron. Not counted in ClinVar's aggregate classification.

Dr. Peter K. Rogan Lab, Western University
No classification provided (evidence only). Condition: Malignant tumor of esophagus. Review status: no classification provided. Collection method: in vitro. Allele origin: not applicable. Functional consequence: skipped exon, retained intron. Not counted in ClinVar's aggregate classification.

Joint Genome Diagnostic Labs from Nijmegen and Maastricht, Radboudumc and MUMC+
Classification: Benign. Review status: no assertion criteria provided. Collection method: clinical testing. Allele origin: germline. Affected: yes. Study: VKGL Data-share Consensus. Not counted in ClinVar's aggregate classification.

NM_144670.6(A2ML1):c.1686T>G (p.Val562=)

Gene: A2ML1 (alpha-2-macroglobulin like 1; plus strand). Cytogenetic location: 12p13.31.
Variant type: single nucleotide variant.
Coding change: c.1686T>G on transcript NM_144670.6 (MANE Select); coding-DNA position 1686, T replaced by G.
Protein change: p.Val562=; no amino-acid change (valine 562 retained).
Molecular consequence: synonymous variant.
Genome position (GRCh38, 1-based): chr12:8,847,551, T>G. VCF-style: chr12-8847551-T-G. GRCh37 (hg19) VCF-style: chr12-9000147-T-G.
Other names: c.213T>G, p.Val71= (NM_001282424.3).
Identifiers: ClinVar variation 241886 (VCV000241886.19), dbSNP rs12296765, ClinGen allele CA6435784.